The following is an entry in ClinVar:

ClinVar aggregate classification (germline): Benign (1 of 4 stars; one submission).

Allele frequency attached by ClinVar (database versions not stated): TOPMed 0.74132; 1000 Genomes Project 30x 0.75109; gnomAD 0.75109 and 0.75915; 1000 Genomes Project 0.75839.
gnomAD v4.1: 115,131 of 151,926 alleles (76%); highest among the groups gnomAD compares: East Asian, 88%; 44,678 homozygotes.

Submission:

GeneDx
Classification: Benign. Last evaluated: 2018-06-14. Review status: criteria provided, single submitter. Criteria: GeneDx Variant Classification (06012015). Collection method: clinical testing. Allele origin: germline. Affected: yes.
Comment: This variant is considered likely benign or benign based on one or more of the following criteria: it is a conservative change, it occurs at a poorly conserved position in the protein, it is predicted to be benign by multiple in silico algorithms, and/or has population frequency not consistent with disease.

NM_001876.4(CPT1A):c.1876-223G>C

Gene: CPT1A (carnitine palmitoyltransferase 1A; minus strand). Cytogenetic location: 11q13.3.
Variant type: single nucleotide variant.
Coding change: c.1876-223G>C on transcript NM_001876.4 (MANE Select); 223 bases into the intron before coding-DNA position 1876, G replaced by C.
Molecular consequence: intron variant.
Genome position (GRCh38, 1-based): chr11:68,761,910, C>G on the plus strand (G>C on the coding strand, the complement: CPT1A is on the minus strand). VCF-style: chr11-68761910-C-G. GRCh37 (hg19) VCF-style: chr11-68529378-C-G.
Other names: c.1876-223G>C (NM_001031847.3).
Identifiers: ClinVar variation 673760 (VCV000673760.1), dbSNP rs897048, ClinGen allele CA13385835.